The following is an entry in ClinVar:

NM_002473.6(MYH9):c.5596G>C (p.Asp1866His)

Gene: MYH9 (myosin heavy chain 9; minus strand). Cytogenetic location: 22q12.3.
Variant type: single nucleotide variant.
Coding change: c.5596G>C on transcript NM_002473.6 (MANE Select); coding-DNA position 5596, G replaced by C.
Protein change: p.Asp1866His; replaces aspartic acid 1866 with histidine.
Molecular consequence: missense variant.
Genome position (GRCh38, 1-based): chr22:36,284,262, C>G on the plus strand (G>C on the coding strand, the complement: MYH9 is on the minus strand). VCF-style: chr22-36284262-C-G. GRCh37 (hg19) VCF-style: chr22-36680308-C-G.
Other names: short protein forms D1866H.
Identifiers: ClinVar variation 2890324 (VCV002890324.3), dbSNP rs371765378, ClinGen allele CA411372809.

ClinVar aggregate classification (germline): Uncertain significance (1 of 4 stars; one submission).

Submission:

Labcorp Genetics (formerly Invitae), Labcorp
Classification: Uncertain significance. Last evaluated: 2023-06-04. Review status: criteria provided, single submitter. Criteria: Invitae Variant Classification Sherloc (09022015). Collection method: clinical testing. Allele origin: germline.
Comment: In summary, the available evidence is currently insufficient to determine the role of this variant in disease. Therefore, it has been classified as a Variant of Uncertain Significance. Advanced modeling of protein sequence and biophysical properties (such as structural, functional, and spatial information, amino acid conservation, physicochemical variation, residue mobility, and thermodynamic stability) has been performed at Invitae for this missense variant, however the output from this modeling did not meet the statistical confidence thresholds required to predict the impact of this variant on MYH9 protein function. This variant has not been reported in the literature in individuals affected with MYH9-related conditions. This variant is present in population databases (no rsID available, gnomAD 0.0009%). This sequence change replaces aspartic acid, which is acidic and polar, with histidine, which is basic and polar, at codon 1866 of the MYH9 protein (p.Asp1866His).